The following is an entry in ClinVar:

NM_000274.4(OAT):c.391T>C (p.Phe131Leu)

Gene: OAT (ornithine aminotransferase; minus strand). Cytogenetic location: 10q26.13.
Variant type: single nucleotide variant.
Coding change: c.391T>C on transcript NM_000274.4 (MANE Select); coding-DNA position 391, T replaced by C.
Protein change: p.Phe131Leu; replaces phenylalanine 131 with leucine.
Molecular consequence: missense variant. On other transcripts: 5 prime UTR variant (2), intron variant (1).
Genome position (GRCh38, 1-based): chr10:124,408,774, A>G on the plus strand (T>C on the coding strand, the complement: OAT is on the minus strand). VCF-style: chr10-124408774-A-G. GRCh37 (hg19) VCF-style: chr10-126097343-A-G.
Other names: c.-24T>C (NM_001171814.2); c.391T>C, p.Phe131Leu (NM_001322965.2, NM_001322966.2, NM_001322967.2 and 3 more transcripts); c.-324T>C (NM_001322974.2); c.199+3199T>C (NM_001322971.2); c.391T>C (NM_000274.3); short protein forms F131L.
Identifiers: ClinVar variation 1428784 (VCV001428784.4), dbSNP rs2134478077, ClinGen allele CA378637173.

ClinVar aggregate classification (germline): Uncertain significance. Review status: criteria provided, multiple submitters, no conflicts (2 of 4 stars). 2 submissions from 2 submitters: Uncertain significance (2). Last evaluated 2024-08-14.

Conditions:
Ornithine aminotransferase deficiency (GACR). Also called: Ornithine ketoacid aminotransferase deficiency; Gyrate atrophy; Gyrate atrophy of choroid and retina; Girate atrophy of the retina; HYPERORNITHINEMIA WITH GYRATE ATROPHY OF CHOROID AND RETINA; OAT DEFICIENCY. Identifiers: Orphanet 414, MedGen C0018425, MONDO:0009796, OMIM 258870.
Inborn genetic diseases. Identifiers: MedGen C0950123, MeSH D030342.

Submissions (2):

Ambry Genetics
Classification: Uncertain significance for Inborn genetic diseases. Last evaluated: 2024-08-14. Review status: criteria provided, single submitter. Criteria: Ambry Variant Classification Scheme 2023. Collection method: clinical testing. Allele origin: germline.

Labcorp Genetics (formerly Invitae), Labcorp
Classification: Uncertain significance for Ornithine aminotransferase deficiency. Last evaluated: 2021-12-08. Review status: criteria provided, single submitter. Criteria: Invitae Variant Classification Sherloc (09022015). Collection method: clinical testing. Allele origin: germline.
Comment: This sequence change replaces phenylalanine, which is neutral and non-polar, with leucine, which is neutral and non-polar, at codon 131 of the OAT protein (p.Phe131Leu). This variant is not present in population databases (gnomAD no frequency). This variant has not been reported in the literature in individuals affected with OAT-related conditions. Algorithms developed to predict the effect of missense changes on protein structure and function are either unavailable or do not agree on the potential impact of this missense change (SIFT: "Deleterious"; PolyPhen-2: "Probably Damaging"; Align-GVGD: "Class C15"). In summary, the available evidence is currently insufficient to determine the role of this variant in disease. Therefore, it has been classified as a Variant of Uncertain Significance.